The following is an entry in ClinVar:

NM_017514.5(PLXNA3):c.4516G>A (p.Ala1506Thr)

Gene: PLXNA3 (plexin A3; plus strand). Cytogenetic location: Xq28.
Variant type: single nucleotide variant.
Coding change: c.4516G>A on transcript NM_017514.5 (MANE Select); coding-DNA position 4516, G replaced by A.
Protein change: p.Ala1506Thr; replaces alanine 1506 with threonine.
Molecular consequence: missense variant.
Genome position (GRCh38, 1-based): chrX:154,469,137, G>A. VCF-style: chrX-154469137-G-A. GRCh37 (hg19) VCF-style: chrX-153697480-G-A.
Other names: short protein forms A1506T.
Identifiers: ClinVar variation 4978073 (VCV004978073.1).

ClinVar aggregate classification (germline): Uncertain significance (1 of 4 stars; one submission).

Conditions:
PLXNA3-related disorder. Also called: PLXNA3-related condition.

Submission:

PreventionGenetics, part of Exact Sciences
Classification: Uncertain significance for PLXNA3-related condition. Last evaluated: 2026-09-23. Review status: criteria provided, single submitter. Criteria: ACMG Guidelines, 2015. Collection method: clinical testing. Allele origin: germline.
Comment: The PLXNA3 c.4516G>A variant is predicted to result in the amino acid substitution p.Ala1506Thr. To our knowledge, this variant has not been reported in the literature. This variant is reported in 0.015% of alleles in individuals of African descent in gnomAD. At this time, the clinical significance of this variant is uncertain due to the absence of conclusive functional and genetic evidence.